The following is an entry in ClinVar:

NM_004304.5(ALK):c.272T>A (p.Leu91Gln)

Gene: ALK (ALK receptor tyrosine kinase; minus strand). Cytogenetic location: 2p23.1.
Variant type: single nucleotide variant.
Coding change: c.272T>A on transcript NM_004304.5 (MANE Select); coding-DNA position 272, T replaced by A.
Protein change: p.Leu91Gln; replaces leucine 91 with glutamine.
Molecular consequence: missense variant.
Genome position (GRCh38, 1-based): chr2:29,920,388, A>T on the plus strand (T>A on the coding strand, the complement: ALK is on the minus strand). VCF-style: chr2-29920388-A-T. GRCh37 (hg19) VCF-style: chr2-30143254-A-T.
Other names: short protein forms L91Q.
Identifiers: ClinVar variation 1717030 (VCV001717030.5), dbSNP rs2465866917, ClinGen allele CA346590360.
Genomic context (GRCh38, chr2:29,920,388, plus strand): 5'-GTCCAGGAGACCCCCGGCGCCGGCCCCAGCAACCTGAGCAGCGGGGCGCAGTCCAGAGCT[A>T]GCGAGCCGCGGGCCTCGGGCCTGCCAGCCTTCAGCTCCGAGGAGGATGGTGGCAGCAGTA-3'
Protein context (NP_004295.2, residues 81-101): KAGRPEARGS[Leu91Gln]ALDCAPLLRL

ClinVar aggregate classification (germline): Uncertain significance (1 of 4 stars; one submission).

Conditions:
Neuroblastoma, susceptibility to, 3. Also called: ALK-Related Neuroblastic Tumor Susceptibility. Identifiers: Orphanet 635, MedGen C2751681, MONDO:0013083, OMIM 613014.

Submission:

Labcorp Genetics (formerly Invitae), Labcorp
Classification: Uncertain significance for Neuroblastoma, susceptibility to, 3. Last evaluated: 2022-08-20. Review status: criteria provided, single submitter. Criteria: Invitae Variant Classification Sherloc (09022015). Collection method: clinical testing. Allele origin: germline.
Comment: This variant is not present in population databases (gnomAD no frequency). This variant has not been reported in the literature in individuals affected with ALK-related conditions. Algorithms developed to predict the effect of missense changes on protein structure and function are either unavailable or do not agree on the potential impact of this missense change (SIFT: "Deleterious"; PolyPhen-2: "Probably Damaging"; Align-GVGD: "Class C0"). In summary, the available evidence is currently insufficient to determine the role of this variant in disease. Therefore, it has been classified as a Variant of Uncertain Significance. This sequence change replaces leucine, which is neutral and non-polar, with glutamine, which is neutral and polar, at codon 91 of the ALK protein (p.Leu91Gln).